The following is an entry in ClinVar:

NC_000022.11:g.40345507A>T

Gene: ADSL (adenylosuccinate lyase; plus strand). Cytogenetic location: 22q13.1.
Variant type: single nucleotide variant.
Genome position: GRCh38 VCF-style: chr22-40345507-A-T. GRCh37 (hg19) VCF-style: chr22-40741511-A-T.
Identifiers: ClinVar variation 1462813 (VCV001462813.5), dbSNP rs2044102028, ClinGen allele CA2405715336.

ClinVar aggregate classification (germline): Uncertain significance (1 of 4 stars; one submission).

Conditions:
Adenylosuccinate lyase deficiency (ADSLD). Also called: ADSL DEFICIENCY. Identifiers: Orphanet 46, MedGen C0268126, MONDO:0007068, OMIM 103050.

Allele frequency attached by ClinVar (database versions not stated): TOPMed below 0.00001.

Submission:

Labcorp Genetics (formerly Invitae), Labcorp
Classification: Uncertain significance for Adenylosuccinate lyase deficiency. Last evaluated: 2023-10-03. Review status: criteria provided, single submitter. Criteria: Invitae Variant Classification Sherloc (09022015). Collection method: clinical testing. Allele origin: germline.
Comment: This variant occurs in a non-coding region of the ADSL gene. It does not change the encoded amino acid sequence of the ADSL protein. This variant is not present in population databases (gnomAD no frequency). This variant has not been reported in the literature in individuals affected with ADSL-related conditions. Experimental studies and prediction algorithms are not available or were not evaluated, and the functional significance of this variant is currently unknown. In summary, the available evidence is currently insufficient to determine the role of this variant in disease. Therefore, it has been classified as a Variant of Uncertain Significance.